The following is an entry in ClinVar:

NM_001018113.3(FANCB):c.2470T>G (p.Leu824Val)

Gene: FANCB (FA complementation group B; minus strand). Cytogenetic location: Xp22.2.
Variant type: single nucleotide variant.
Coding change: c.2470T>G on transcript NM_001018113.3 (MANE Select); coding-DNA position 2470, T replaced by G.
Protein change: p.Leu824Val; replaces leucine 824 with valine.
Molecular consequence: missense variant.
Genome position (GRCh38, 1-based): chrX:14,843,677, A>C on the plus strand (T>G on the coding strand, the complement: FANCB is on the minus strand). VCF-style: chrX-14843677-A-C. GRCh37 (hg19) VCF-style: chrX-14861799-A-C.
Other names: c.2470T>G, p.Leu824Val (NM_001324162.2, NM_152633.4); short protein forms L824V.
Identifiers: ClinVar variation 1024393 (VCV001024393.9), dbSNP rs1601976122, ClinGen allele CA412437215.

ClinVar aggregate classification (germline): Uncertain significance (1 of 4 stars; one submission).

Conditions:
Fanconi anemia (FA). Also called: Fanconi's anemia. Identifiers: Orphanet 84, MedGen C0015625, MeSH D005199, MONDO:0019391.

Submission:

Labcorp Genetics (formerly Invitae), Labcorp
Classification: Uncertain significance for Fanconi anemia. Last evaluated: 2024-05-08. Review status: criteria provided, single submitter. Criteria: Invitae Variant Classification Sherloc (09022015). Collection method: clinical testing. Allele origin: germline.
Comment: This sequence change replaces leucine, which is neutral and non-polar, with valine, which is neutral and non-polar, at codon 824 of the FANCB protein (p.Leu824Val). This variant is not present in population databases (gnomAD no frequency). This variant has not been reported in the literature in individuals affected with FANCB-related conditions. ClinVar contains an entry for this variant (Variation ID: 1024393). Advanced modeling of protein sequence and biophysical properties (such as structural, functional, and spatial information, amino acid conservation, physicochemical variation, residue mobility, and thermodynamic stability) has been performed at Invitae for this missense variant, however the output from this modeling did not meet the statistical confidence thresholds required to predict the impact of this variant on FANCB protein function. In summary, the available evidence is currently insufficient to determine the role of this variant in disease. Therefore, it has been classified as a Variant of Uncertain Significance.